The following is an entry in ClinVar:

ClinVar aggregate classification (germline): Uncertain significance. Review status: criteria provided, multiple submitters, no conflicts (2 of 4 stars). 2 submissions from 2 submitters: Uncertain significance (2). Last evaluated 2024-10-08.

Conditions:
Inborn genetic diseases. Identifiers: MedGen C0950123, MeSH D030342.
Smith-Lemli-Opitz syndrome (SLOS). Also called: 7-Dehydrocholesterol reductase deficiency; LETHAL ACRODYSGENITAL SYNDROME; POLYDACTYLY, SEX REVERSAL, RENAL HYPOPLASIA, AND UNILOBAR LUNG; RSH SYNDROME; RUTLEDGE LETHAL MULTIPLE CONGENITAL ANOMALY SYNDROME. Identifiers: Orphanet 818, MedGen C0175694, MONDO:0010035, OMIM 270400.

Submissions (2):

Labcorp Genetics (formerly Invitae), Labcorp
Classification: Uncertain significance for Smith-Lemli-Opitz syndrome. Last evaluated: 2024-10-08. Review status: criteria provided, single submitter. Criteria: Invitae Variant Classification Sherloc (09022015). Collection method: clinical testing. Allele origin: germline.
Comment: This sequence change replaces asparagine, which is neutral and polar, with lysine, which is basic and polar, at codon 218 of the DHCR7 protein (p.Asn218Lys). This variant is not present in population databases (gnomAD no frequency). This variant has not been reported in the literature in individuals affected with DHCR7-related conditions. ClinVar contains an entry for this variant (Variation ID: 944198). Invitae Evidence Modeling of protein sequence and biophysical properties (such as structural, functional, and spatial information, amino acid conservation, physicochemical variation, residue mobility, and thermodynamic stability) has been performed for this missense variant. However, the output from this modeling did not meet the statistical confidence thresholds required to predict the impact of this variant on DHCR7 protein function. In summary, the available evidence is currently insufficient to determine the role of this variant in disease. Therefore, it has been classified as a Variant of Uncertain Significance.

Ambry Genetics
Classification: Uncertain significance for Inborn genetic diseases. Last evaluated: 2024-03-19. Review status: criteria provided, single submitter. Criteria: Ambry Variant Classification Scheme 2023. Collection method: clinical testing. Allele origin: germline.

NM_001360.3(DHCR7):c.654C>A (p.Asn218Lys)

Gene: DHCR7 (7-dehydrocholesterol reductase; minus strand). Cytogenetic location: 11q13.4.
Variant type: single nucleotide variant.
Coding change: c.654C>A on transcript NM_001360.3 (MANE Select); coding-DNA position 654, C replaced by A.
Protein change: p.Asn218Lys; replaces asparagine 218 with lysine.
Molecular consequence: missense variant.
Genome position (GRCh38, 1-based): chr11:71,439,056, G>T on the plus strand (C>A on the coding strand, the complement: DHCR7 is on the minus strand). VCF-style: chr11-71439056-G-T. GRCh37 (hg19) VCF-style: chr11-71150102-G-T.
Other names: c.654C>A, p.Asn218Lys (NM_001163817.2); short protein forms N218K.
Identifiers: ClinVar variation 944198 (VCV000944198.10), dbSNP rs1949321790, ClinGen allele CA381703648.